The following is an entry in ClinVar:

ClinVar aggregate classification (germline): Conflicting classifications of pathogenicity. Review status: criteria provided, conflicting classifications (1 of 4 stars). 2 submissions from 2 submitters: Uncertain significance (1); Likely benign (1). Last evaluated 2025-03-11.

Conditions:
Cardiovascular phenotype. Identifiers: MedGen CN230736.
Alstrom syndrome (ALMS). Identifiers: Orphanet 64, MedGen C0268425, MONDO:0008763, OMIM 203800.

Allele frequency attached by ClinVar (database versions not stated): ExAC 0.00001.
gnomAD v4.1: 1 of 1,613,668 alleles (0.000062%); highest among the groups gnomAD compares: Admixed American, 0.0017%; no homozygotes.

Submissions (2):

Ambry Genetics
Classification: Likely benign for Cardiovascular phenotype. Last evaluated: 2025-03-11. Review status: criteria provided, single submitter. Criteria: Ambry Variant Classification Scheme 2023. Collection method: clinical testing. Allele origin: germline.

Labcorp Genetics (formerly Invitae), Labcorp
Classification: Uncertain significance for Alstrom syndrome. Last evaluated: 2021-12-21. Review status: criteria provided, single submitter. Criteria: Invitae Variant Classification Sherloc (09022015). Collection method: clinical testing. Allele origin: germline.
Comment: This sequence change replaces glutamine, which is neutral and polar, with glutamic acid, which is acidic and polar, at codon 1734 of the ALMS1 protein (p.Gln1734Glu). This variant is present in population databases (rs750136202, gnomAD 0.003%). This variant has not been reported in the literature in individuals affected with ALMS1-related conditions. Algorithms developed to predict the effect of missense changes on protein structure and function output the following: SIFT: "Not Available"; PolyPhen-2: "Not Available"; Align-GVGD: "Not Available". The glutamic acid amino acid residue is found in multiple mammalian species, which suggests that this missense change does not adversely affect protein function. In summary, the available evidence is currently insufficient to determine the role of this variant in disease. Therefore, it has been classified as a Variant of Uncertain Significance.

NM_001378454.1(ALMS1):c.5197C>G (p.Gln1733Glu)

Gene: ALMS1 (ALMS1 centrosome and basal body associated protein; plus strand). Cytogenetic location: 2p13.1.
Variant type: single nucleotide variant.
Coding change: c.5197C>G on transcript NM_001378454.1 (MANE Select); coding-DNA position 5197, C replaced by G.
Protein change: p.Gln1733Glu; replaces glutamine 1733 with glutamic acid.
Molecular consequence: missense variant.
Genome position (GRCh38, 1-based): chr2:73,451,724, C>G. VCF-style: chr2-73451724-C-G. GRCh37 (hg19) VCF-style: chr2-73678851-C-G.
Other names: c.5200C>G, p.Gln1734Glu (NM_015120.4); short protein forms Q1733E, Q1734E.
Identifiers: ClinVar variation 2177552 (VCV002177552.2), dbSNP rs750136202, ClinGen allele CA1713838.